The following is an entry in ClinVar:

NM_004260.4(RECQL4):c.1057T>G (p.Tyr353Asp)

Gene: RECQL4 (RecQ like helicase 4; minus strand). Cytogenetic location: 8q24.3.
Variant type: single nucleotide variant.
Coding change: c.1057T>G on transcript NM_004260.4 (MANE Select); coding-DNA position 1057, T replaced by G.
Protein change: p.Tyr353Asp; replaces tyrosine 353 with aspartic acid.
Molecular consequence: missense variant.
Genome position (GRCh38, 1-based): chr8:144,516,062, A>C on the plus strand (T>G on the coding strand, the complement: RECQL4 is on the minus strand). VCF-style: chr8-144516062-A-C. GRCh37 (hg19) VCF-style: chr8-145741446-A-C.
Other names: short protein forms Y353D.
Identifiers: ClinVar variation 842404 (VCV000842404.8), dbSNP rs1387465313, ClinGen allele CA372688206.

ClinVar aggregate classification (germline): Uncertain significance. Review status: criteria provided, multiple submitters, no conflicts (2 of 4 stars). 2 submissions from 2 submitters: Uncertain significance (2). Last evaluated 2024-12-10.

Conditions:
Inborn genetic diseases. Identifiers: MedGen C0950123, MeSH D030342.
Baller-Gerold syndrome (BGS). Also called: CRANIOSYNOSTOSIS WITH RADIAL DEFECTS. Identifiers: Orphanet 1225, MedGen C0265308, MONDO:0009039, OMIM 218600.

Allele frequency attached by ClinVar (database versions not stated): TOPMed below 0.00001.
gnomAD v4.1: 2 of 1,612,678 alleles (0.00012%); highest among the groups gnomAD compares: Non-Finnish European, 0.00017%; no homozygotes.

Submissions (2):

Ambry Genetics
Classification: Uncertain significance for Inborn genetic diseases. Last evaluated: 2024-12-10. Review status: criteria provided, single submitter. Criteria: Ambry Variant Classification Scheme 2023. Collection method: clinical testing. Allele origin: germline.
Comment: The p.Y353D variant (also known as c.1057T>G), located in coding exon 5 of the RECQL4 gene, results from a T to G substitution at nucleotide position 1057. The tyrosine at codon 353 is replaced by aspartic acid, an amino acid with highly dissimilar properties. This amino acid position is conserved. In addition, the in silico prediction for this alteration is inconclusive. Based on the available evidence, the clinical significance of this variant remains unclear.

Labcorp Genetics (formerly Invitae), Labcorp
Classification: Uncertain significance for Baller-Gerold syndrome. Last evaluated: 2023-10-28. Review status: criteria provided, single submitter. Criteria: Invitae Variant Classification Sherloc (09022015). Collection method: clinical testing. Allele origin: germline.
Comment: This sequence change replaces tyrosine, which is neutral and polar, with aspartic acid, which is acidic and polar, at codon 353 of the RECQL4 protein (p.Tyr353Asp). This variant is not present in population databases (gnomAD no frequency). This variant has not been reported in the literature in individuals affected with RECQL4-related conditions. ClinVar contains an entry for this variant (Variation ID: 842404). Advanced modeling of protein sequence and biophysical properties (such as structural, functional, and spatial information, amino acid conservation, physicochemical variation, residue mobility, and thermodynamic stability) performed at Invitae indicates that this missense variant is expected to disrupt RECQL4 protein function with a positive predictive value of 80%. In summary, the available evidence is currently insufficient to determine the role of this variant in disease. Therefore, it has been classified as a Variant of Uncertain Significance.